The following is an entry in ClinVar:

ClinVar aggregate classification (germline): Pathogenic. Review status: criteria provided, multiple submitters, no conflicts (2 of 4 stars). 2 submissions from 2 submitters: Pathogenic (2). Last evaluated 2023-09-08.

Conditions:
Familial cancer of breast. Also called: Hereditary breast cancer; BREAST CANCER, FAMILIAL; hereditary breast carcinoma. Identifiers: Orphanet 227535, MedGen C0346153, MONDO:0016419, OMIM 114480. Disease mechanism: loss of function.

Submissions (2):

Myriad Genetics, Inc.
Classification: Pathogenic for Familial cancer of breast. Last evaluated: 2023-09-08. Review status: criteria provided, single submitter. Criteria: Myriad Autosomal Dominant, Autosomal Recessive and X-Linked Classification Criteria (2023). Collection method: clinical testing. Allele origin: unknown.
Comment: This variant is considered pathogenic. This variant creates a frameshift predicted to result in premature protein truncation.

Labcorp Genetics (formerly Invitae), Labcorp
Classification: Pathogenic for Familial cancer of breast. Last evaluated: 2022-12-30. Review status: criteria provided, single submitter. Criteria: Invitae Variant Classification Sherloc (09022015). Collection method: clinical testing. Allele origin: germline.
Comment: This variant has not been reported in the literature in individuals affected with PALB2-related conditions. For these reasons, this variant has been classified as Pathogenic. This variant is not present in population databases (gnomAD no frequency). This sequence change creates a premature translational stop signal (p.Met465Cysfs*20) in the PALB2 gene. It is expected to result in an absent or disrupted protein product. Loss-of-function variants in PALB2 are known to be pathogenic (PMID: 17200668, 17200671, 17200672, 24136930, 25099575).

Literature cited by the submitters: PubMed 17200668 (cited by Labcorp Genetics (formerly Invitae), Labcorp); PubMed 17200671 (cited by Labcorp Genetics (formerly Invitae), Labcorp); PubMed 17200672 (cited by Labcorp Genetics (formerly Invitae), Labcorp); PubMed 24136930 (cited by Labcorp Genetics (formerly Invitae), Labcorp); PubMed 25099575 (cited by Labcorp Genetics (formerly Invitae), Labcorp).

NM_024675.4(PALB2):c.1392del (p.Met465fs)

Gene: PALB2 (partner and localizer of BRCA2; minus strand). Cytogenetic location: 16p12.2.
Variant type: Deletion.
Coding change: c.1392del on transcript NM_024675.4 (MANE Select); coding-DNA position 1392, one base deleted (G; older notation c.1392delG).
Protein change: p.Met465fs; shifts the reading frame from methionine 465.
Molecular consequence: frameshift variant. On other transcripts: intron variant (3).
Genome position (GRCh38, 1-based): chr16:23,635,154, C deleted on the plus strand (G on the coding strand, the reverse complement: PALB2 is on the minus strand); the first of 2 consecutive C bases (chr16:23,635,154-23,635,155); deleting either gives the same sequence. VCF-style (leftmost placement, unchanged base first): chr16-23635153-TC-T. GRCh37 (hg19) VCF-style: chr16-23646474-TC-T.
Other names: c.1332del, p.Met445fs (NM_001407296.1); c.1392del, p.Met465fs (NM_001407297.1, NM_001407298.1, NM_001407299.1 and 3 more transcripts); c.507del, p.Met170fs (NM_001407304.1, NM_001407305.1, NM_001407306.1 and 5 more transcripts); c.49-5879del (NM_001407314.1); c.-104-4685del (NM_001407313.1, NM_001407312.1); short protein forms M170fs, M445fs, M465fs.
Identifiers: ClinVar variation 2674065 (VCV002674065.4), dbSNP rs2506479181, ClinGen allele CA2695197478.